The following is an entry in ClinVar:

ClinVar aggregate classification (germline): Uncertain significance (1 of 4 stars; one submission).

Conditions:
Sphingolipid activator protein 1 deficiency. Also called: Metachromatic leukodystrophy due to saposin B deficiency; METACHROMATIC LEUKODYSTROPHY DUE TO CEREBROSIDE SULFATASE ACTIVATOR DEFICIENCY; Saposin B Deficiency. Identifiers: Orphanet 512, MedGen C0268262, MONDO:0009590, OMIM 249900.

Allele frequency attached by ClinVar (database versions not stated): gnomAD exomes below 0.00001 and 0.00001; ExAC 0.00001; gnomAD 0.00002; TOPMed 0.00003; ESP Exome Variant Server 0.00008.
gnomAD v4.1: 10 of 1,613,890 alleles (0.00062%); highest among the groups gnomAD compares: African/African-American, 0.013%; no homozygotes.

Submission:

Labcorp Genetics (formerly Invitae), Labcorp
Classification: Uncertain significance for Sphingolipid activator protein 1 deficiency. Last evaluated: 2023-08-17. Review status: criteria provided, single submitter. Criteria: Invitae Variant Classification Sherloc (09022015). Collection method: clinical testing. Allele origin: germline.
Comment: This sequence change replaces asparagine, which is neutral and polar, with serine, which is neutral and polar, at codon 136 of the PSAP protein (p.Asn136Ser). This variant is present in population databases (rs374177795, gnomAD 0.02%). This variant has not been reported in the literature in individuals affected with PSAP-related conditions. ClinVar contains an entry for this variant (Variation ID: 1403975). Advanced modeling of protein sequence and biophysical properties (such as structural, functional, and spatial information, amino acid conservation, physicochemical variation, residue mobility, and thermodynamic stability) performed at Invitae indicates that this missense variant is not expected to disrupt PSAP protein function. In summary, the available evidence is currently insufficient to determine the role of this variant in disease. Therefore, it has been classified as a Variant of Uncertain Significance.

NM_002778.4(PSAP):c.407A>G (p.Asn136Ser)

Gene: PSAP (prosaposin; minus strand). Cytogenetic location: 10q22.1.
Variant type: single nucleotide variant.
Coding change: c.407A>G on transcript NM_002778.4 (MANE Select); coding-DNA position 407, A replaced by G.
Protein change: p.Asn136Ser; replaces asparagine 136 with serine.
Molecular consequence: missense variant.
Genome position (GRCh38, 1-based): chr10:71,829,046, T>C on the plus strand (A>G on the coding strand, the complement: PSAP is on the minus strand). VCF-style: chr10-71829046-T-C. GRCh37 (hg19) VCF-style: chr10-73588803-T-C.
Other names: c.407A>G, p.Asn136Ser (NM_001042465.3, NM_001042466.3); short protein forms N136S.
Identifiers: ClinVar variation 1403975 (VCV001403975.7), dbSNP rs374177795, ClinGen allele CA5547778.